The following is an entry in ClinVar:

NM_001044.5(SLC6A3):c.1858G>A (p.Val620Met)

Gene: SLC6A3 (solute carrier family 6 member 3). Cytogenetic location: 5p15.33.
Variant type: single nucleotide variant.
Coding change: c.1858G>A on transcript NM_001044.5 (MANE Select); coding-DNA position 1858, G replaced by A.
Protein change: p.Val620Met; replaces valine 620 with methionine.
Molecular consequence: missense variant.
Genome position (GRCh38, 1-based): chr5:1,394,740, C>T on the plus strand (G>A on the coding strand, the complement: SLC6A3 is on the minus strand). VCF-style: chr5-1394740-C-T. GRCh37 (hg19) VCF-style: chr5-1394855-C-T.
Other names: short protein forms V620M.
Identifiers: ClinVar variation 3373408 (VCV003373408.1).
Genomic context (GRCh38, chr5:1,394,740, plus strand): 5'-GTTCGTGTCTCTCCCATTGCAGGATGACTTCCTGGGGTCTTCGTCTCTGCTCCCTCTACA[C>T]CTTGAGCCAGTGGCGGAGCTGGAAAGAAAACAGGTTTAGTCAGAAACCCTGGGGCGATGC-3'
Protein context (NP_001035.1, residues 610-620): RQFTLRHWLK[Val620Met]

ClinVar aggregate classification (germline): Uncertain significance (1 of 4 stars; one submission).

gnomAD v4.1: 10 of 1,614,174 alleles (0.00062%); highest among the groups gnomAD compares: Non-Finnish European, 0.00085%; no homozygotes.

Submission:

GeneDx
Classification: Uncertain significance. Last evaluated: 2024-05-02. Review status: criteria provided, single submitter. Criteria: GeneDx Variant Classification Process June 2021. Collection method: clinical testing. Allele origin: germline. Affected: yes.
Comment: Not observed at significant frequency in large population cohorts (gnomAD); In silico analysis indicates that this missense variant does not alter protein structure/function; Has not been previously published as pathogenic or benign to our knowledge